The following is an entry in ClinVar:

ClinVar aggregate classification (germline): Uncertain significance. Review status: criteria provided, multiple submitters, no conflicts (2 of 4 stars). 2 submissions from 2 submitters: Uncertain significance (2). Last evaluated 2025-08-10.

Submissions (2):

Ambry Genetics
Classification: Uncertain significance. Last evaluated: 2025-08-10. Review status: criteria provided, single submitter. Criteria: Ambry Variant Classification Scheme 2023. Collection method: clinical testing. Allele origin: germline.

Labcorp Genetics (formerly Invitae), Labcorp
Classification: Uncertain significance. Last evaluated: 2024-07-02. Review status: criteria provided, single submitter. Criteria: Invitae Variant Classification Sherloc (09022015). Collection method: clinical testing. Allele origin: germline.
Comment: This sequence change replaces glycine, which is neutral and non-polar, with glutamic acid, which is acidic and polar, at codon 287 of the MYLK3 protein (p.Gly287Glu). This variant is present in population databases (no rsID available, gnomAD 0.01%). This variant has not been reported in the literature in individuals affected with MYLK3-related conditions. Algorithms developed to predict the effect of missense changes on protein structure and function output the following: SIFT: "Not Available"; PolyPhen-2: "Benign"; Align-GVGD: "Not Available". The glutamic acid amino acid residue is found in multiple mammalian species, which suggests that this missense change does not adversely affect protein function. In summary, the available evidence is currently insufficient to determine the role of this variant in disease. Therefore, it has been classified as a Variant of Uncertain Significance.

NM_182493.3(MYLK3):c.860G>A (p.Gly287Glu)

Gene: MYLK3 (myosin light chain kinase 3; minus strand). Cytogenetic location: 16q11.2.
Variant type: single nucleotide variant.
Coding change: c.860G>A on transcript NM_182493.3 (MANE Select); coding-DNA position 860, G replaced by A.
Protein change: p.Gly287Glu; replaces glycine 287 with glutamic acid.
Molecular consequence: missense variant. On other transcripts: intron variant (1).
Genome position (GRCh38, 1-based): chr16:46,737,852, C>T on the plus strand (G>A on the coding strand, the complement: MYLK3 is on the minus strand). VCF-style: chr16-46737852-C-T. GRCh37 (hg19) VCF-style: chr16-46771764-C-T.
Other names: c.-23+2205G>A (NM_001308301.1); c.860G>A (NM_182493.2); short protein forms G287E.
Identifiers: ClinVar variation 3616280 (VCV003616280.3).